The following is an entry in ClinVar:

NM_018052.5(VAC14):c.1188C>A (p.His396Gln)

Genes: VAC14 (VAC14 component of PIKFYVE complex; minus strand), VAC14-AS1 (VAC14 antisense RNA 1; plus strand). Cytogenetic location: 16q22.1.
Variant type: single nucleotide variant.
Coding change: c.1188C>A on transcript NM_018052.5 (MANE Select); coding-DNA position 1188, C replaced by A.
Protein change: p.His396Gln; replaces histidine 396 with glutamine.
Molecular consequence: missense variant.
Genome position (GRCh38, 1-based): chr16:70,762,998, G>T on the plus strand (C>A on the coding strand, the complement: VAC14 is on the minus strand). VCF-style: chr16-70762998-G-T. GRCh37 (hg19) VCF-style: chr16-70796901-G-T.
Other names: c.486C>A, p.His162Gln (NM_001351157.2); short protein forms H396Q, H162Q.
Identifiers: ClinVar variation 1952268 (VCV001952268.5), dbSNP rs749476673, ClinGen allele CA8147774.

ClinVar aggregate classification (germline): Uncertain significance (1 of 4 stars; one submission).

gnomAD v4.1: 6 of 1,614,128 alleles (0.00037%); highest among the groups gnomAD compares: Non-Finnish European, 0.00051%; no homozygotes.

Submission:

Labcorp Genetics (formerly Invitae), Labcorp
Classification: Uncertain significance. Last evaluated: 2023-07-10. Review status: criteria provided, single submitter. Criteria: Invitae Variant Classification Sherloc (09022015). Collection method: clinical testing. Allele origin: germline.
Comment: ClinVar contains an entry for this variant (Variation ID: 1952268). This sequence change replaces histidine, which is basic and polar, with glutamine, which is neutral and polar, at codon 396 of the VAC14 protein (p.His396Gln). This variant is present in population databases (rs749476673, gnomAD 0.0009%). This variant has not been reported in the literature in individuals affected with VAC14-related conditions. Advanced modeling of protein sequence and biophysical properties (such as structural, functional, and spatial information, amino acid conservation, physicochemical variation, residue mobility, and thermodynamic stability) performed at Invitae indicates that this missense variant is not expected to disrupt VAC14 protein function. In summary, the available evidence is currently insufficient to determine the role of this variant in disease. Therefore, it has been classified as a Variant of Uncertain Significance.